The following is an entry in ClinVar:

NM_002734.5(PRKAR1A):c.836G>A (p.Gly279Glu)

Gene: PRKAR1A (protein kinase cAMP-dependent type I regulatory subunit alpha; plus strand). Cytogenetic location: 17q24.2.
Variant type: single nucleotide variant.
Coding change: c.836G>A on transcript NM_002734.5 (MANE Select); coding-DNA position 836, G replaced by A.
Protein change: p.Gly279Glu; replaces glycine 279 with glutamic acid.
Molecular consequence: missense variant.
Genome position (GRCh38, 1-based): chr17:68,528,936, G>A. VCF-style: chr17-68528936-G-A. GRCh37 (hg19) VCF-style: chr17-66525077-G-A.
Other names: c.836G>A, p.Gly279Glu (NM_001276289.2, NM_001276290.1, NM_001278433.2 and 4 more transcripts); short protein forms G279E.
Identifiers: ClinVar variation 822354 (VCV000822354.4), dbSNP rs1600492296, ClinGen allele CA400753930.
Genomic context (GRCh38, chr17:68,528,936, plus strand): 5'-TGGACAAGTGGGAACGTCTTACGGTAGCTGATGCATTGGAACCAGTGCAGTTTGAAGATG[G>A]GCAGAAGATTGTGGTGCAGGGAGAACCAGGGGATGAGTTCTTCATTATTTTAGAGGTAAA-3'
Protein context (NP_002725.1, residues 269-289): DALEPVQFED[Gly279Glu]QKIVVQGEPG

ClinVar aggregate classification (germline): Uncertain significance (1 of 4 stars; one submission).

Conditions:
Hereditary cancer-predisposing syndrome. Also called: Tumor predisposition; Hereditary Cancer Syndrome; Neoplastic Syndromes, Hereditary; Hereditary neoplastic syndrome. Identifiers: Orphanet 140162, MedGen C0027672, MeSH D009386, MONDO:0015356.

Submission:

Ambry Genetics
Classification: Uncertain significance for Hereditary cancer-predisposing syndrome. Last evaluated: 2019-03-18. Review status: criteria provided, single submitter. Criteria: Ambry Variant Classification Scheme 2023. Collection method: clinical testing. Allele origin: germline.
Comment: The p.G279E variant (also known as c.836G>A), located in coding exon 8 of the PRKAR1A gene, results from a G to A substitution at nucleotide position 836. The glycine at codon 279 is replaced by glutamic acid, an amino acid with similar properties. This amino acid position is highly conserved in available vertebrate species. In addition, this alteration is predicted to be deleterious by in silico analysis. Since supporting evidence is limited at this time, the clinical significance of this alteration remains unclear.